The following is an entry in ClinVar:

NM_017514.5(PLXNA3):c.4796-7G>A

Gene: PLXNA3 (plexin A3; plus strand). Cytogenetic location: Xq28.
Variant type: single nucleotide variant.
Coding change: c.4796-7G>A on transcript NM_017514.5 (MANE Select); 7 bases into the intron before coding-DNA position 4796, G replaced by A.
Molecular consequence: intron variant.
Genome position (GRCh38, 1-based): chrX:154,469,970, G>A. VCF-style: chrX-154469970-G-A. GRCh37 (hg19) VCF-style: chrX-153698313-G-A.
Identifiers: ClinVar variation 4988212 (VCV004988212.1).

ClinVar aggregate classification (germline): Likely benign (1 of 4 stars; one submission).

Conditions:
PLXNA3-related disorder. Also called: PLXNA3-related condition.

gnomAD v4.1: 2 of 1,209,505 alleles (0.00017%); highest among the groups gnomAD compares: Non-Finnish European, 0.00022%; no homozygotes.

Submission:

PreventionGenetics, part of Exact Sciences
Classification: Likely benign for PLXNA3-related condition. Last evaluated: 2025-01-23. Review status: criteria provided, single submitter. Criteria: ACMG Guidelines, 2015. Collection method: clinical testing. Allele origin: germline.
Comment: This variant is classified as likely benign based on ACMG/AMP sequence variant interpretation guidelines (Richards et al. 2015 PMID: 25741868, with internal and published modifications).